The following is an entry in ClinVar:

ClinVar aggregate classification (germline): Uncertain significance (1 of 4 stars; one submission).

Allele frequency attached by ClinVar (database versions not stated): gnomAD exomes 0.00002 and 0.00006; 1000 Genomes Project 0.00020; TOPMed 0.00030; 1000 Genomes Project 30x 0.00031; gnomAD 0.00034 and 0.00042.
gnomAD v4.1: 89 of 1,289,666 alleles (0.0069%); highest among the groups gnomAD compares: African/African-American, 0.13%; no homozygotes.

Submission:

Labcorp Genetics (formerly Invitae), Labcorp
Classification: Uncertain significance. Last evaluated: 2025-12-20. Review status: criteria provided, single submitter. Criteria: Invitae Variant Classification Sherloc (09022015). Collection method: clinical testing. Allele origin: germline.
Comment: This sequence change replaces arginine, which is basic and polar, with glycine, which is neutral and non-polar, at codon 951 of the ERCC6L2 protein (p.Arg951Gly). This variant is present in population databases (rs193256081, gnomAD 0.1%). This variant has not been reported in the literature in individuals affected with ERCC6L2-related conditions. ClinVar contains an entry for this variant (Variation ID: 1063631). Experimental studies and prediction algorithms are not available or were not evaluated, and the functional significance of this variant is currently unknown. In summary, the available evidence is currently insufficient to determine the role of this variant in disease. Therefore, it has been classified as a Variant of Uncertain Significance.

NM_020207.7(ERCC6L2):c.2818A>G (p.Arg940Gly)

Gene: ERCC6L2 (ERCC excision repair 6 like 2; plus strand). Cytogenetic location: 9q22.32.
Variant type: single nucleotide variant.
Coding change: c.2818A>G on transcript NM_020207.7 (MANE Select); coding-DNA position 2818, A replaced by G.
Protein change: p.Arg940Gly; replaces arginine 940 with glycine.
Molecular consequence: missense variant. On other transcripts: non-coding transcript variant (1).
Genome position (GRCh38, 1-based): chr9:95,972,569, A>G. VCF-style: chr9-95972569-A-G. GRCh37 (hg19) VCF-style: chr9-98734851-A-G.
Other names: c.2818A>G, p.Arg940Gly (NM_001375291.1, NM_001375292.1, NM_001375293.1 and 1 more transcripts); short protein forms R940G.
Identifiers: ClinVar variation 1063631 (VCV001063631.7), dbSNP rs193256081, ClinGen allele CA196597617.
Genomic context (GRCh38, chr9:95,972,569, plus strand): 5'-AGGTTTAAGCCACCCTTGGAAGGATCTGAGGATTCTGAAACAGAACACACTGTAAAAACA[A>G]GAAATAATGATAATAGTCGAAACACTGATGACAAAAGAAATGGAATAATTTCAAAAAAGT-3'
Protein context (NP_064592.3, residues 930-950): DSETEHTVKT[Arg940Gly]NNDNSRNTDD